The following is an entry in ClinVar:

NM_004329.3(BMPR1A):c.1507T>A (p.Cys503Ser)

Gene: BMPR1A (bone morphogenetic protein receptor type 1A; plus strand). Cytogenetic location: 10q23.2.
Variant type: single nucleotide variant.
Coding change: c.1507T>A on transcript NM_004329.3 (MANE Select); coding-DNA position 1507, T replaced by A.
Protein change: p.Cys503Ser; replaces cysteine 503 with serine.
Molecular consequence: missense variant.
Genome position (GRCh38, 1-based): chr10:86,923,627, T>A. VCF-style: chr10-86923627-T-A. GRCh37 (hg19) VCF-style: chr10-88683384-T-A.
Other names: short protein forms C503S.
Identifiers: ClinVar variation 529935 (VCV000529935.10), dbSNP rs1554891650, ClinGen allele CA377463772.
Genomic context (GRCh38, chr10:86,923,627, plus strand): 5'-CTCACTGAACATCTCTTTACTTTTCAGTGTCTACGAGCAGTTTTGAAGCTAATGTCAGAA[T>A]GCTGGGCCCACAATCCAGCCTCCAGACTCACAGCATTGAGAATTAAGAAGACGCTTGCCA-3'
Protein context (NP_004320.2, residues 493-513): LRAVLKLMSE[Cys503Ser]WAHNPASRLT

ClinVar aggregate classification (germline): Uncertain significance (1 of 4 stars; one submission).

Conditions:
Juvenile polyposis syndrome (JPS). Identifiers: Orphanet 2929, MedGen C0345893, MONDO:0017380, OMIM 174900.

Submission:

Labcorp Genetics (formerly Invitae), Labcorp
Classification: Uncertain significance for Juvenile polyposis syndrome. Last evaluated: 2017-11-07. Review status: criteria provided, single submitter. Criteria: Invitae Variant Classification Sherloc (09022015). Collection method: clinical testing. Allele origin: germline.
Comment: In summary, the available evidence is currently insufficient to determine the role of this variant in disease. Therefore, it has been classified as a Variant of Uncertain Significance. Algorithms developed to predict the effect of missense changes on protein structure and function (SIFT, PolyPhen-2, Align-GVGD) all suggest that this variant is likely to be disruptive, but these predictions have not been confirmed by published functional studies and their clinical significance is uncertain. This variant has not been reported in the literature in individuals with BMPR1A-related disease. This variant is not present in population databases (ExAC no frequency). This sequence change replaces cysteine with serine at codon 503 of the BMPR1A protein (p.Cys503Ser). The cysteine residue is highly conserved and there is a moderate physicochemical difference between cysteine and serine.